The following is an entry in ClinVar:

NM_020971.3(SPTBN4):c.5127C>T (p.Tyr1709=)

Gene: SPTBN4 (spectrin beta, non-erythrocytic 4; plus strand). Cytogenetic location: 19q13.2.
Variant type: single nucleotide variant.
Coding change: c.5127C>T on transcript NM_020971.3 (MANE Select); coding-DNA position 5127, C replaced by T.
Protein change: p.Tyr1709=; no amino-acid change (tyrosine 1709 retained).
Molecular consequence: synonymous variant.
Genome position (GRCh38, 1-based): chr19:40,556,126, C>T. VCF-style: chr19-40556126-C-T. GRCh37 (hg19) VCF-style: chr19-41062032-C-T.
Other names: c.1155C>T, p.Tyr385= (NM_025213.3).
Identifiers: ClinVar variation 2649903 (VCV002649903.25), dbSNP rs769504423, ClinGen allele CA9446399.

ClinVar aggregate classification (germline): Likely benign. Review status: criteria provided, multiple submitters, no conflicts (2 of 4 stars). 2 submissions from 2 submitters: Likely benign (2). Last evaluated 2024-11-25.

Allele frequency attached by ClinVar (database versions not stated): gnomAD exomes 0.00002; TOPMed 0.00002; gnomAD 0.00003; ExAC 0.00004.
gnomAD v4.1: 46 of 1,612,574 alleles (0.0029%); highest among the groups gnomAD compares: Middle Eastern, 0.039%; no homozygotes.

Submissions (2):

Blueprint Genetics
Classification: Likely benign. Last evaluated: 2024-11-25. Review status: criteria provided, single submitter. Criteria: ACMG Guidelines, 2015. Collection method: clinical testing. Allele origin: germline.

CeGaT Center for Human Genetics Tuebingen
Classification: Likely benign. Last evaluated: 2023-08-01. Review status: criteria provided, single submitter. Criteria: CeGaT Center For Human Genetics Tuebingen Variant Classification Criteria Version 2. Collection method: clinical testing. Allele origin: germline. Affected: yes. Observed: 2 variant alleles.
Comment: SPTBN4: BP4, BP7